The following is an entry in ClinVar:

NM_032816.5(CEP89):c.191G>T (p.Arg64Leu)

Gene: CEP89 (centrosomal protein 89; minus strand). Cytogenetic location: 19q13.11.
Variant type: single nucleotide variant.
Coding change: c.191G>T on transcript NM_032816.5 (MANE Select); coding-DNA position 191, G replaced by T.
Protein change: p.Arg64Leu; replaces arginine 64 with leucine.
Molecular consequence: missense variant.
Genome position (GRCh38, 1-based): chr19:32,960,014, C>A on the plus strand (G>T on the coding strand, the complement: CEP89 is on the minus strand). VCF-style: chr19-32960014-C-A. GRCh37 (hg19) VCF-style: chr19-33450920-C-A.
Other names: c.191G>T (NM_032816.3); short protein forms R64L.
Identifiers: ClinVar variation 1967325 (VCV001967325.7), dbSNP rs116019599, ClinGen allele CA9359875.

ClinVar aggregate classification (germline): Uncertain significance. Review status: criteria provided, multiple submitters, no conflicts (2 of 4 stars). 2 submissions from 2 submitters: Uncertain significance (2). Last evaluated 2025-12-31.

gnomAD v4.1: 141 of 1,614,240 alleles (0.0087%); highest among the groups gnomAD compares: Middle Eastern, 0.099%; no homozygotes.

Submissions (2):

Labcorp Genetics (formerly Invitae), Labcorp
Classification: Uncertain significance. Last evaluated: 2025-12-31. Review status: criteria provided, single submitter. Criteria: Invitae Variant Classification Sherloc (09022015). Collection method: clinical testing. Allele origin: germline.
Comment: This sequence change replaces arginine, which is basic and polar, with leucine, which is neutral and non-polar, at codon 64 of the CEP89 protein (p.Arg64Leu). This variant is present in population databases (rs116019599, gnomAD 0.03%). This variant has not been reported in the literature in individuals affected with CEP89-related conditions. ClinVar contains an entry for this variant (Variation ID: 1967325). An algorithm developed to predict the effect of missense changes on protein structure and function (PolyPhen-2) suggests that this variant is likely to be tolerated. In summary, the available evidence is currently insufficient to determine the role of this variant in disease. Therefore, it has been classified as a Variant of Uncertain Significance.

Ambry Genetics
Classification: Uncertain significance. Last evaluated: 2023-02-06. Review status: criteria provided, single submitter. Criteria: Ambry Variant Classification Scheme 2023. Collection method: clinical testing. Allele origin: germline.